The following is an entry in ClinVar:

NM_001242896.3(DEPDC5):c.3547del (p.Ala1183fs)

Gene: DEPDC5 (DEP domain containing 5, GATOR1 subcomplex subunit; plus strand). Cytogenetic location: 22q12.3.
Variant type: Deletion.
Coding change: c.3547del on transcript NM_001242896.3 (MANE Select); coding-DNA position 3547, one base deleted (G; older notation c.3547delG).
Protein change: p.Ala1183fs; shifts the reading frame from alanine 1183.
Molecular consequence: frameshift variant. On other transcripts: non-coding transcript variant (4).
Genome position (GRCh38, 1-based): chr22:31,873,316, G deleted. VCF-style (leftmost placement, unchanged base first): chr22-31873315-AG-A. GRCh37 (hg19) VCF-style: chr22-32269301-AG-A.
Other names: c.3520del, p.Ala1174fs (NM_001136029.4); c.3247del, p.Ala1083fs (NM_001242897.2); c.3481del, p.Ala1161fs (NM_001363852.2, NM_001364320.2); c.3313del, p.Ala1105fs (NM_001363854.2, NM_001364319.2); c.3547del, p.Ala1183fs (NM_001364318.2); c.3463del, p.Ala1155fs (NM_001369901.1, NM_001369902.1); c.3454del, p.Ala1152fs (NM_001369903.1, NM_014662.6); short protein forms A1083fs, A1105fs, A1174fs, A1152fs, A1155fs, A1161fs, A1183fs.
Identifiers: ClinVar variation 572795 (VCV000572795.8), dbSNP rs1569166925, ClinGen allele CA891844535.

ClinVar aggregate classification (germline): Pathogenic (1 of 4 stars; one submission).

Conditions:
Familial focal epilepsy with variable foci (FPEVF). Identifiers: Orphanet 98820, MedGen C1858477, MONDO:0020310.

Submission:

Labcorp Genetics (formerly Invitae), Labcorp
Classification: Pathogenic for Familial focal epilepsy with variable foci. Last evaluated: 2018-06-20. Review status: criteria provided, single submitter. Criteria: Invitae Variant Classification Sherloc (09022015). Collection method: clinical testing. Allele origin: germline.
Comment: For these reasons, this variant has been classified as Pathogenic. Loss-of-function variants in DEPDC5 are known to be pathogenic (PMID: 23542697, 23542701). This variant has not been reported in the literature in individuals with DEPDC5-related disease. This variant is not present in population databases (ExAC no frequency). This sequence change creates a premature translational stop signal (p.Ala1183Profs*2) in the DEPDC5 gene. It is expected to result in an absent or disrupted protein product.

Literature cited by the submitters: PubMed 23542697; PubMed 23542701.